The following is an entry in ClinVar:

NM_025243.4(SLC19A3):c.854G>A (p.Trp285Ter)

Gene: SLC19A3 (solute carrier family 19 member 3; minus strand). Cytogenetic location: 2q36.3.
Variant type: single nucleotide variant.
Coding change: c.854G>A on transcript NM_025243.4 (MANE Select); coding-DNA position 854, G replaced by A.
Protein change: p.Trp285Ter; replaces tryptophan 285 with a stop codon.
Molecular consequence: nonsense.
Genome position (GRCh38, 1-based): chr2:227,698,861, C>T on the plus strand (G>A on the coding strand, the complement: SLC19A3 is on the minus strand). VCF-style: chr2-227698861-C-T. GRCh37 (hg19) VCF-style: chr2-228563577-C-T.
Other names: c.854G>A, p.Trp285Ter (NM_001371411.1, NM_001371412.1); c.842G>A, p.Trp281Ter (NM_001371413.1, NM_001371414.1); short protein forms W285*, W281*.
Identifiers: ClinVar variation 848983 (VCV000848983.16), dbSNP rs373198092, ClinGen allele CA2149224.

ClinVar aggregate classification (germline): Pathogenic/Likely pathogenic. Review status: criteria provided, multiple submitters, no conflicts (2 of 4 stars). 6 submissions from 6 submitters: Pathogenic (4); Likely pathogenic (1). 1 of the submissions does not count toward it. Last evaluated 2024-09-12.

Conditions:
SLC19A3-related disorder. Also called: SLC19A3-related condition.
Inborn genetic diseases. Identifiers: MedGen C0950123, MeSH D030342.
Biotin-responsive basal ganglia disease (BTBGD). Also called: Thiamine Transporter-2 Deficiency; Thiamine metabolism dysfunction syndrome type 2; Thiamine metabolism dysfunction syndrome 2 (biotin- or thiamine-responsive encephalopathy type 2); thiamine-responsive encephalopathy; THIAMINE METABOLISM DYSFUNCTION SYNDROME 2 (BIOTIN- AND THIAMINE-RESPONSIVE TYPE). Identifiers: Orphanet 199348, Orphanet 65284, MedGen C1843807, MONDO:0011841, OMIM 607483.

Allele frequency attached by ClinVar (database versions not stated): ExAC 0.00001; TOPMed 0.00002; gnomAD 0.00003 and 0.00001; ESP Exome Variant Server 0.00008; gnomAD exomes 0.00001.

Submissions (6):

Myriad Genetics, Inc.
Classification: Pathogenic for Biotin-responsive basal ganglia disease. Last evaluated: 2024-09-12. Review status: criteria provided, single submitter. Criteria: Myriad Autosomal Dominant, Autosomal Recessive and X-Linked Classification Criteria (2023). Collection method: clinical testing. Allele origin: unknown.
Comment: NM_025243.3(SLC19A3):c.854G>A(W285*) is expected to be pathogenic in the context of biotin-thiamine-responsive basal ganglia disease. This variant is predicted to lead to an abnormal or absent protein product due to the creation of a premature termination codon in SLC19A3, a gene where loss-of-function variants are known to be pathogenic. Please note: this variant was assessed in the context of healthy population screening.

GeneDx
Classification: Likely pathogenic. Last evaluated: 2024-08-07. Review status: criteria provided, single submitter. Criteria: GeneDx Variant Classification Process June 2021. Collection method: clinical testing. Allele origin: germline. Affected: yes.
Comment: Reported previously as a heterozygous variant in a patient with epilepsy; however, no further clinical or segregation information was provided and it is unclear if a second variant was identified (PMID: 31440721); Nonsense variant predicted to result in protein truncation or nonsense-mediated decay in a gene for which loss-of-function is a known mechanism of disease; Not observed at significant frequency in large population cohorts (gnomAD); This variant is associated with the following publications: (PMID: 31440721)

Labcorp Genetics (formerly Invitae), Labcorp
Classification: Pathogenic for Biotin-responsive basal ganglia disease. Last evaluated: 2024-04-24. Review status: criteria provided, single submitter. Criteria: Invitae Variant Classification Sherloc (09022015). Collection method: clinical testing. Allele origin: germline.
Comment: This sequence change creates a premature translational stop signal (p.Trp285*) in the SLC19A3 gene. It is expected to result in an absent or disrupted protein product. Loss-of-function variants in SLC19A3 are known to be pathogenic (PMID: 23423671, 23482991). This variant is present in population databases (rs373198092, gnomAD 0.01%). This variant has not been reported in the literature in individuals affected with SLC19A3-related conditions. ClinVar contains an entry for this variant (Variation ID: 848983). For these reasons, this variant has been classified as Pathogenic.

Ambry Genetics
Classification: Pathogenic for Inborn genetic diseases. Last evaluated: 2021-03-02. Review status: criteria provided, single submitter. Criteria: Ambry Variant Classification Scheme 2023. Collection method: clinical testing. Allele origin: germline.
Comment: The c.854G>A (p.W285*) alteration, located in exon 3 (coding exon 2) of the SLC19A3 gene, consists of a G to A substitution at nucleotide position 854. This changes the amino acid from a tryptophan (W) to a stop codon at amino acid position 285. This alteration is expected to result in loss of function by premature protein truncation or nonsense-mediated mRNA decay. Based on the available evidence, this alteration is classified as pathogenic.

Genetic Services Laboratory, University of Chicago
Classification: Pathogenic. Last evaluated: 2020-04-14. Review status: criteria provided, single submitter. Criteria: ACMG Guidelines, 2015. Collection method: clinical testing. Allele origin: germline. Affected: yes.
Comment: DNA sequence analysis of the SLC19A3 gene demonstrated a sequence change, c.854G>A, which results in the creation of a premature stop codon at amino acid position 285, p.Trp285*. This sequence change is predicted to result in an abnormal transcript, which may be degraded, or may lead to the production of a truncated SLC19A3 protein with potentially abnormal function. This sequence change has not been previously described in patients with SLC19A3-related thiamine metabolism dysfunction syndrome-2; however, other truncating variants have been described in this gene. This sequence change has been described in the gnomAD database in two heterozygous individuals which corresponds to a population frequency of 0.00080% (rs373198092). These collective evidences indicate that this sequence change is pathogenic.

PreventionGenetics, part of Exact Sciences
Classification: Likely pathogenic for SLC19A3-related condition. Last evaluated: 2024-01-29. Review status: no assertion criteria provided. Collection method: clinical testing. Allele origin: germline. Not counted in ClinVar's aggregate classification.
Comment: The SLC19A3 c.854G>A variant is predicted to result in premature protein termination (p.Trp285*). This variant was reported in heterozygous state in an individual with epilepsy (Table S2, Truty et al. 2019. PubMed ID: 31440721). This variant is reported in 0.012% of alleles in individuals of African descent in gnomAD. Nonsense variants in SLC19A3 are expected to be pathogenic. This variant is interpreted as likely pathogenic.

Literature cited by the submitters: PubMed 23423671 (cited by Labcorp Genetics (formerly Invitae), Labcorp); PubMed 23482991 (cited by Labcorp Genetics (formerly Invitae), Labcorp).